The following is an entry in ClinVar:

ClinVar aggregate classification (germline): Uncertain significance (1 of 4 stars; one submission).

Conditions:
Hereditary cancer-predisposing syndrome. Also called: Neoplastic Syndromes, Hereditary; Tumor predisposition; Hereditary Cancer Syndrome; Hereditary neoplastic syndrome. Identifiers: Orphanet 140162, MedGen C0027672, MeSH D009386, MONDO:0015356.

Submission:

Ambry Genetics
Classification: Uncertain significance for Hereditary cancer-predisposing syndrome. Last evaluated: 2020-11-16. Review status: criteria provided, single submitter. Criteria: Ambry Variant Classification Scheme 2023. Collection method: clinical testing. Allele origin: germline.
Comment: The p.K1352N variant (also known as c.4056A>C), located in coding exon 10 of the MSH6 gene, results from an A to C substitution at nucleotide position 4056. The lysine at codon 1352 is replaced by asparagine, an amino acid with similar properties. This amino acid position is well conserved in available vertebrate species. In addition, this alteration is predicted to be tolerated by in silico analysis. Since supporting evidence is limited at this time, the clinical significance of this alteration remains unclear.

NM_000179.3(MSH6):c.4056A>C (p.Lys1352Asn)

Gene: MSH6 (mutS homolog 6; plus strand). Cytogenetic location: 2p16.3.
Variant type: single nucleotide variant.
Coding change: c.4056A>C on transcript NM_000179.3 (MANE Select); coding-DNA position 4056, A replaced by C.
Protein change: p.Lys1352Asn; replaces lysine 1352 with asparagine.
Molecular consequence: missense variant.
Genome position (GRCh38, 1-based): chr2:47,806,833, A>C. VCF-style: chr2-47806833-A-C. GRCh37 (hg19) VCF-style: chr2-48033972-A-C.
Other names: c.3666A>C, p.Lys1222Asn (NM_001281492.2); c.3150A>C, p.Lys1050Asn (NM_001281493.2, NM_001281494.2, NM_001406823.1 and 6 more transcripts); c.4152A>C, p.Lys1384Asn (NM_001406795.1); c.4056A>C, p.Lys1352Asn (NM_001406796.1, NM_001406809.1); c.3759A>C, p.Lys1253Asn (NM_001406797.1, NM_001406805.1, NM_001406818.1 and 8 more transcripts); c.3882A>C, p.Lys1294Asn (NM_001406798.1); c.3531A>C, p.Lys1177Asn (NM_001406799.1, NM_001406806.1, NM_001406807.1); c.*77A>C (NM_001406800.1); and 9 more; short protein forms K1050N, K1177N, K1296N, K1222N, K1253N, K1354N, K1294N, K1326N.
Identifiers: ClinVar variation 1737410 (VCV001737410.2), dbSNP rs2530896927, ClinGen allele CA346761728.